The following is an entry in ClinVar:

NM_001165963.4(SCN1A):c.4799T>A (p.Phe1600Tyr)

Genes: SCN1A (sodium voltage-gated channel alpha subunit 1; minus strand), LOC102724058 (uncharacterized LOC102724058; plus strand). Cytogenetic location: 2q24.3.
Variant type: single nucleotide variant.
Coding change: c.4799T>A on transcript NM_001165963.4 (MANE Select); coding-DNA position 4799, T replaced by A.
Protein change: p.Phe1600Tyr; replaces phenylalanine 1600 with tyrosine.
Molecular consequence: missense variant. On other transcripts: non-coding transcript variant (1).
Genome position (GRCh38, 1-based): chr2:165,994,199, A>T on the plus strand (T>A on the coding strand, the complement: SCN1A is on the minus strand). VCF-style: chr2-165994199-A-T. GRCh37 (hg19) VCF-style: chr2-166850709-A-T.
Other names: c.4799T>A, p.Phe1600Tyr (NM_001353948.2, NM_001202435.3); c.4766T>A, p.Phe1589Tyr (NM_001353949.2, NM_001353950.2, NM_001353951.2 and 2 more transcripts); c.4763T>A, p.Phe1588Tyr (NM_001353954.2, NM_001353955.2); c.4715T>A, p.Phe1572Tyr (NM_001353957.2, NM_001353958.2, NM_001165964.3); c.4712T>A, p.Phe1571Tyr (NM_001353960.2); c.2357T>A, p.Phe786Tyr (NM_001353961.2); short protein forms F1572Y, F1589Y, F786Y, F1588Y, F1600Y, F1571Y.
Identifiers: ClinVar variation 2704744 (VCV002704744.3), dbSNP rs2468358282, ClinGen allele CA349071497.

ClinVar aggregate classification (germline): Uncertain significance (1 of 4 stars; one submission).

Conditions:
Early-infantile DEE. Also called: Ohtahara syndrome; Early infantile epileptic encephalopathy with suppression bursts; Early infantile epileptic encephalopathy. Identifiers: Orphanet 1934, MedGen C0393706, MONDO:0800491.

Submission:

Labcorp Genetics (formerly Invitae), Labcorp
Classification: Uncertain significance for Early-infantile DEE. Last evaluated: 2024-05-13. Review status: criteria provided, single submitter. Criteria: Invitae Variant Classification Sherloc (09022015). Collection method: clinical testing. Allele origin: germline.
Comment: This sequence change replaces phenylalanine, which is neutral and non-polar, with tyrosine, which is neutral and polar, at codon 1600 of the SCN1A protein (p.Phe1600Tyr). This variant is not present in population databases (gnomAD no frequency). This variant has not been reported in the literature in individuals affected with SCN1A-related conditions. Advanced modeling of protein sequence and biophysical properties (such as structural, functional, and spatial information, amino acid conservation, physicochemical variation, residue mobility, and thermodynamic stability) performed at Invitae indicates that this missense variant is expected to disrupt SCN1A protein function with a positive predictive value of 95%. In summary, the available evidence is currently insufficient to determine the role of this variant in disease. Therefore, it has been classified as a Variant of Uncertain Significance.